The following is an entry in ClinVar:

NM_001127222.2(CACNA1A):c.6263G>C (p.Gly2088Ala)

Gene: CACNA1A (calcium voltage-gated channel subunit alpha1 A; minus strand). Cytogenetic location: 19p13.13.
Variant type: single nucleotide variant.
Coding change: c.6263G>C on transcript NM_001127222.2 (MANE Select); coding-DNA position 6263, G replaced by C.
Protein change: p.Gly2088Ala; replaces glycine 2088 with alanine.
Molecular consequence: missense variant.
Genome position (GRCh38, 1-based): chr19:13,212,143, C>G on the plus strand (G>C on the coding strand, the complement: CACNA1A is on the minus strand). VCF-style: chr19-13212143-C-G. GRCh37 (hg19) VCF-style: chr19-13322957-C-G.
Other names: c.6281G>C, p.Gly2094Ala (NM_000068.4, NM_023035.3); c.6266G>C, p.Gly2089Ala (NM_001127221.2); c.6272G>C, p.Gly2091Ala (NM_001174080.2); short protein forms G2094A, G2088A, G2089A, G2091A.
Identifiers: ClinVar variation 871687 (VCV000871687.49), dbSNP rs759252101, ClinGen allele CA9239419.

ClinVar aggregate classification (germline): Uncertain significance. Review status: criteria provided, multiple submitters, no conflicts (2 of 4 stars). 3 submissions from 3 submitters: Uncertain significance (3). Last evaluated 2022-03-08.

Conditions:
Episodic ataxia type 2 (EA2). Also called: ATAXIA, EPISODIC, WITH NYSTAGMUS; ATAXIA, FAMILIAL PAROXYSMAL; CEREBELLAR ATAXIA, PAROXYSMAL, ACETAZOLAMIDE-RESPONSIVE; CEREBELLOPATHY, HEREDITARY PAROXYSMAL; ACETAZOLAMIDE-RESPONSIVE HEREDITARY PAROXYSMAL CEREBELLAR ATAXIA; EPISODIC ATAXIA, NYSTAGMUS-ASSOCIATED. Identifiers: Orphanet 97, MedGen C1720416, MONDO:0007163, OMIM 108500.
Developmental and epileptic encephalopathy, 42 (DEE42A). Also called: Epileptic encephalopathy, early infantile, 42; DEVELOPMENTAL AND EPILEPTIC ENCEPHALOPATHY 42A; EPILEPTIC ENCEPHALOPATHY, EARLY INFANTILE, 42A. Identifiers: MedGen C4310716, MONDO:0014917, OMIM 617106.

Allele frequency attached by ClinVar (database versions not stated): gnomAD exomes below 0.00001; ExAC 0.00001.
gnomAD v4.1: 2 of 1,613,764 alleles (0.00012%); highest among the groups gnomAD compares: Non-Finnish European, 0.00017%; no homozygotes.

Submissions (3):

Blueprint Genetics
Classification: Uncertain significance. Last evaluated: 2022-03-08. Review status: criteria provided, single submitter. Criteria: ACMG Guidelines, 2015. Collection method: clinical testing. Allele origin: germline.

Labcorp Genetics (formerly Invitae), Labcorp
Classification: Uncertain significance for Developmental and epileptic encephalopathy, 42; Episodic ataxia type 2. Last evaluated: 2020-08-20. Review status: criteria provided, single submitter. Criteria: Invitae Variant Classification Sherloc (09022015). Collection method: clinical testing. Allele origin: germline.
Comment: This sequence change replaces glycine with alanine at codon 2089 of the CACNA1A protein (p.Gly2089Ala). The glycine residue is moderately conserved and there is a small physicochemical difference between glycine and alanine. The frequency data for this variant in the population databases is considered unreliable, as metrics indicate poor data quality at this position in the ExAC database. This variant has not been reported in the literature in individuals with CACNA1A-related conditions. ClinVar contains an entry for this variant (Variation ID: 871687). Advanced modeling of protein sequence and biophysical properties (such as structural, functional, and spatial information, amino acid conservation, physicochemical variation, residue mobility, and thermodynamic stability) performed at Invitae indicates that this missense variant is not expected to disrupt CACNA1A protein function. In summary, the available evidence is currently insufficient to determine the role of this variant in disease. Therefore, it has been classified as a Variant of Uncertain Significance.

CeGaT Center for Human Genetics Tuebingen
Classification: Uncertain significance. Last evaluated: 2019-11-01. Review status: criteria provided, single submitter. Criteria: CeGaT Center For Human Genetics Tuebingen Variant Classification Criteria Version 2. Collection method: clinical testing. Allele origin: germline. Affected: yes. Observed: 1 variant allele.